The following is an entry in ClinVar:

NM_001069.3(TUBB2A):c.518C>T (p.Pro173Leu)

Gene: TUBB2A (tubulin beta 2A class IIa; minus strand). Cytogenetic location: 6p25.2.
Variant type: single nucleotide variant.
Coding change: c.518C>T on transcript NM_001069.3 (MANE Select); coding-DNA position 518, C replaced by T.
Protein change: p.Pro173Leu; replaces proline 173 with leucine.
Molecular consequence: missense variant.
Genome position (GRCh38, 1-based): chr6:3,154,683, G>A on the plus strand (C>T on the coding strand, the complement: TUBB2A is on the minus strand). VCF-style: chr6-3154683-G-A. GRCh37 (hg19) VCF-style: chr6-3154917-G-A.
Other names: c.263C>T, p.Pro88Leu (NM_001310315.2); short protein forms P173L, P88L.
Identifiers: ClinVar variation 1253961 (VCV001253961.2), dbSNP rs2113785529, ClinGen allele CA362592557.

ClinVar aggregate classification (germline): Likely pathogenic (1 of 4 stars; one submission).

Submission:

GeneDx
Classification: Likely pathogenic. Last evaluated: 2021-07-29. Review status: criteria provided, single submitter. Criteria: GeneDx Variant Classification Process June 2021. Collection method: clinical testing. Allele origin: germline. Affected: yes.
Comment: Not observed at significant frequency in large population cohorts (Lek et al., 2016); In silico analysis, which includes protein predictors and evolutionary conservation, supports a deleterious effect; Has not been previously published as pathogenic or benign to our knowledge